The following is an entry in ClinVar:

ClinVar aggregate classification (germline): Benign/Likely benign. Review status: criteria provided, multiple submitters, no conflicts (2 of 4 stars). 3 submissions from 3 submitters: Benign (2); Likely benign (1). Last evaluated 2026-07-01.

Allele frequency attached by ClinVar (database versions not stated): 1000 Genomes Project 0.00280; 1000 Genomes Project 30x 0.00359; gnomAD exomes 0.00460 and 0.00849; gnomAD 0.00558 and 0.00561; TOPMed 0.00568; ESP Exome Variant Server 0.00626; ExAC 0.00756.
gnomAD v4.1: 13,122 of 1,600,246 alleles (0.82%); highest among the groups gnomAD compares: Non-Finnish European, 1%; 70 homozygotes.

Submissions (3):

CeGaT Center for Human Genetics Tuebingen
Classification: Benign. Last evaluated: 2026-07-01. Review status: criteria provided, single submitter. Criteria: CeGaT Center For Human Genetics Tuebingen Variant Classification Criteria Version 2. Collection method: clinical testing. Allele origin: germline. Affected: yes. Observed: 9 variant alleles.
Comment: DNAH10: BP4, BS1, BS2

Blueprint Genetics
Classification: Likely benign. Last evaluated: 2024-11-26. Review status: criteria provided, single submitter. Criteria: ACMG Guidelines, 2015. Collection method: clinical testing. Allele origin: germline.

Labcorp Genetics (formerly Invitae), Labcorp
Classification: Benign. Last evaluated: 2019-12-31. Review status: criteria provided, single submitter. Criteria: Invitae Variant Classification Sherloc (09022015). Collection method: clinical testing. Allele origin: germline.

NM_001372106.1(DNAH10):c.8824-5C>T

Gene: DNAH10 (dynein axonemal heavy chain 10; plus strand). Cytogenetic location: 12q24.31.
Variant type: single nucleotide variant.
Coding change: c.8824-5C>T on transcript NM_001372106.1 (MANE Select); 5 bases into the intron before coding-DNA position 8824, C replaced by T.
Molecular consequence: intron variant.
Genome position (GRCh38, 1-based): chr12:123,887,137, C>T. VCF-style: chr12-123887137-C-T. GRCh37 (hg19) VCF-style: chr12-124371684-C-T.
Other names: c.8470-5C>T (NM_207437.3).
Identifiers: ClinVar variation 710361 (VCV000710361.29), dbSNP rs183446331, ClinGen allele CA6864877.
Genomic context (GRCh38, chr12:123,887,137, plus strand): 5'-CCGGAGCCCGCAGGGAAGGGAGGCTGGTGGTGGTGACGCCCATGTGCTCTGTGTCTGCAT[C>T]GCAGGTGTTTGAGATCCTGCTGAGCCGAGGCTACTCGGAGAACAGTTTCCGGGAAGACCT-3'